The following is an entry in ClinVar:

NM_000304.4(PMP22):c.*912G>A

Gene: PMP22 (peripheral myelin protein 22; minus strand). Cytogenetic location: 17p12.
Variant type: single nucleotide variant.
Coding change: c.*912G>A on transcript NM_000304.4 (MANE Select); 912 bases downstream of the stop codon, G replaced by A.
Molecular consequence: 3 prime UTR variant. On other transcripts: non-coding transcript variant (2).
Genome position (GRCh38, 1-based): chr17:15,230,005, C>T on the plus strand (G>A on the coding strand, the complement: PMP22 is on the minus strand). VCF-style: chr17-15230005-C-T. GRCh37 (hg19) VCF-style: chr17-15133322-C-T.
Other names: c.*912G>A (NM_001281455.2, NM_001281456.2, NM_153321.3 and 1 more transcripts).
Identifiers: ClinVar variation 321849 (VCV000321849.6), dbSNP rs149070440, ClinGen allele CA10648608.

ClinVar aggregate classification (germline): Benign. Review status: criteria provided, multiple submitters, no conflicts (2 of 4 stars). 3 submissions from 2 submitters: Benign (3). Last evaluated 2018-01-13.

Conditions:
Charcot-Marie-Tooth disease, type I (CMT1). Also called: Charcot-Marie-Tooth, Type 1; Charcot-Marie-Tooth disease type 1. Identifiers: Orphanet 65753, MedGen C0751036, MONDO:0019011.
Hereditary liability to pressure palsies (HNPP). Also called: POLYNEUROPATHY, FAMILIAL RECURRENT; TOMACULOUS NEUROPATHY; Hereditary Neuropathy with Liability to Pressure Palsies. Identifiers: Orphanet 640, MedGen C0393814, MONDO:0008087, OMIM 162500.

Allele frequency attached by ClinVar (database versions not stated): gnomAD 0.00345 and 0.00366; TOPMed 0.00369; 1000 Genomes Project 30x 0.00390; 1000 Genomes Project 0.00479.

Submissions (3):

Illumina Laboratory Services, Illumina
Classification: Benign for Hereditary liability to pressure palsies. Last evaluated: 2018-01-13. Review status: criteria provided, single submitter. Criteria: ICSL Variant Classification Criteria 13 December 2019. Collection method: clinical testing. Allele origin: germline.
Comment: This variant was observed in the ICSL laboratory as part of a predisposition screen in an ostensibly healthy population. It had not been previously curated by ICSL or reported in the Human Gene Mutation Database (HGMD: prior to June 1st, 2018), and was therefore a candidate for classification through an automated scoring system. Utilizing variant allele frequency, disease prevalence and penetrance estimates, and inheritance mode, an automated score was calculated to assess if this variant is too frequent to cause the disease. Based on the score and internal cut-off values, a variant classified as benign is not then subjected to further curation. The score for this variant resulted in a classification of benign for this disease.

Illumina Laboratory Services, Illumina
Classification: Benign for Charcot-Marie-Tooth disease, type I. Last evaluated: 2018-01-13. Review status: criteria provided, single submitter. Criteria: ICSL Variant Classification Criteria 13 December 2019. Collection method: clinical testing. Allele origin: germline.
Comment: the same text as in the submission from Illumina Laboratory Services, Illumina above.

Breakthrough Genomics
Classification: Benign. Review status: criteria provided, single submitter. Criteria: ACMG Guidelines, 2015. Collection method: not provided. Allele origin: germline. Inheritance: Autosomal recessive inheritance. Affected: yes.